The following is an entry in ClinVar:

ClinVar aggregate classification (germline): Uncertain significance (1 of 4 stars; one submission).

Conditions:
PLXNA2-related disorder. Also called: PLXNA2-related condition.

gnomAD v4.1: 3 of 1,613,626 alleles (0.00019%); highest among the groups gnomAD compares: Admixed American, 0.005%; no homozygotes.

Submission:

PreventionGenetics, part of Exact Sciences
Classification: Uncertain significance for PLXNA2-related condition. Last evaluated: 2024-11-15. Review status: criteria provided, single submitter. Criteria: ACMG Guidelines, 2015. Collection method: clinical testing. Allele origin: germline.
Comment: The PLXNA2 c.2956G>A variant is predicted to result in the amino acid substitution p.Ala986Thr. To our knowledge, this variant has not been reported in the literature. This variant is reported in 0.0058% of alleles in individuals of Latino descent in gnomAD. At this time, the clinical significance of this variant is uncertain due to the absence of conclusive functional and genetic evidence.

NM_025179.4(PLXNA2):c.2956G>A (p.Ala986Thr)

Gene: PLXNA2 (plexin A2; minus strand). Cytogenetic location: 1q32.2.
Variant type: single nucleotide variant.
Coding change: c.2956G>A on transcript NM_025179.4 (MANE Select); coding-DNA position 2956, G replaced by A.
Protein change: p.Ala986Thr; replaces alanine 986 with threonine.
Molecular consequence: missense variant.
Genome position (GRCh38, 1-based): chr1:208,052,364, C>T on the plus strand (G>A on the coding strand, the complement: PLXNA2 is on the minus strand). VCF-style: chr1-208052364-C-T. GRCh37 (hg19) VCF-style: chr1-208225709-C-T.
Other names: short protein forms A986T.
Identifiers: ClinVar variation 4984279 (VCV004984279.1).